The following is an entry in ClinVar:

NM_002458.3(MUC5B):c.4830G>A (p.Pro1610=)

Gene: MUC5B (mucin 5B, oligomeric mucus/gel-forming; plus strand). Cytogenetic location: 11p15.5.
Variant type: single nucleotide variant.
Coding change: c.4830G>A on transcript NM_002458.3 (MANE Select); coding-DNA position 4830, G replaced by A.
Protein change: p.Pro1610=; no amino-acid change (proline 1610 retained).
Molecular consequence: synonymous variant.
Genome position (GRCh38, 1-based): chr11:1,241,710, G>A. VCF-style: chr11-1241710-G-A. GRCh37 (hg19) VCF-style: chr11-1262940-G-A.
Identifiers: ClinVar variation 2641201 (VCV002641201.24), dbSNP rs762084924, ClinGen allele CA5805501.
Genomic context (GRCh38, chr11:1,241,710, plus strand): 5'-CTACAGGATCCGGGTCCTCTGCTGCAGTGACGACCACTGCAGGGGACGTGCCACAACCCC[G>A]CCACCGACCACAGAGCTGGAGACGGCCACCACCACCACCACCCAGGCCCTGTTCTCAACG-3'
Protein context (NP_002449.2, residues 1600-1620): DDHCRGRATT[Pro1610=]PPTTELETAT

ClinVar aggregate classification (germline): Likely benign (1 of 4 stars; one submission).

Allele frequency attached by ClinVar (database versions not stated): gnomAD exomes 0.00002; TOPMed 0.00002; ExAC 0.00003; gnomAD 0.00003.
gnomAD v4.1: 34 of 1,612,056 alleles (0.0021%); highest among the groups gnomAD compares: South Asian, 0.011%; no homozygotes.

Submission:

CeGaT Center for Human Genetics Tuebingen
Classification: Likely benign. Last evaluated: 2022-04-01. Review status: criteria provided, single submitter. Criteria: CeGaT Center For Human Genetics Tuebingen Variant Classification Criteria Version 2. Collection method: clinical testing. Allele origin: germline. Affected: yes. Observed: 1 variant allele.
Comment: MUC5B: BP4, BP7